The following is an entry in ClinVar:

NM_030962.4(SBF2):c.2653G>T (p.Val885Phe)

Genes: SBF2 (SET binding factor 2; minus strand), LOC101928008 (uncharacterized LOC101928008; plus strand). Cytogenetic location: 11p15.4.
Variant type: single nucleotide variant.
Coding change: c.2653G>T on transcript NM_030962.4 (MANE Select); coding-DNA position 2653, G replaced by T.
Protein change: p.Val885Phe; replaces valine 885 with phenylalanine.
Molecular consequence: missense variant.
Genome position (GRCh38, 1-based): chr11:9,850,176, C>A on the plus strand (G>T on the coding strand, the complement: SBF2 is on the minus strand). VCF-style: chr11-9850176-C-A. GRCh37 (hg19) VCF-style: chr11-9871723-C-A.
Other names: c.2653G>T, p.Val885Phe (NM_001386339.1); c.2524G>T, p.Val842Phe (NM_001386342.1); short protein forms V885F, V842F.
Identifiers: ClinVar variation 1012120 (VCV001012120.9), dbSNP rs1856820562, ClinGen allele CA379635783.
Genomic context (GRCh38, chr11:9,850,176, plus strand): 5'-GACCTCCAGTAGCTTCTTCTCTTCCATCAGGATCCAGCAAGACTCGAAGACCCTCACAGA[C>A]AATTTCTTCTCCTGGCAGCAGAGCAGGTCTAAGAATCTTGGGCTTACAACAGAAAAAGAT-3'
Protein context (NP_112224.1, residues 875-895): RPALLPGEEI[Val885Phe]CEGLRVLLDP

ClinVar aggregate classification (germline): Uncertain significance (1 of 4 stars; one submission).

Conditions:
Charcot-Marie-Tooth disease type 4. Also called: Charcot-Marie-Tooth disease, type IV; Charcot-Marie-Tooth, Type 4. Identifiers: Orphanet 64749, MedGen C4082197, MONDO:0018995.

Submission:

Labcorp Genetics (formerly Invitae), Labcorp
Classification: Uncertain significance for Charcot-Marie-Tooth disease type 4. Last evaluated: 2020-03-31. Review status: criteria provided, single submitter. Criteria: Invitae Variant Classification Sherloc (09022015). Collection method: clinical testing. Allele origin: germline.
Comment: In summary, the available evidence is currently insufficient to determine the role of this variant in disease. Therefore, it has been classified as a Variant of Uncertain Significance. Algorithms developed to predict the effect of missense changes on protein structure and function are either unavailable or do not agree on the potential impact of this missense change (SIFT: "Deleterious"; PolyPhen-2: "Possibly Damaging"; Align-GVGD: "Class C0"). This variant has not been reported in the literature in individuals with SBF2-related conditions. This variant is not present in population databases (ExAC no frequency). This sequence change replaces valine with phenylalanine at codon 885 of the SBF2 protein (p.Val885Phe). The valine residue is moderately conserved and there is a small physicochemical difference between valine and phenylalanine.